The following is an entry in ClinVar:

ClinVar aggregate classification (germline): Likely pathogenic. Review status: criteria provided, multiple submitters, no conflicts (2 of 4 stars). 2 submissions from 2 submitters: Likely pathogenic (2). Last evaluated 2025-06-09.

Submissions (2):

Labcorp Genetics (formerly Invitae), Labcorp
Classification: Likely pathogenic. Last evaluated: 2025-06-09. Review status: criteria provided, single submitter. Criteria: Invitae Variant Classification Sherloc (09022015). Collection method: clinical testing. Allele origin: germline.
Comment: This sequence change replaces serine, which is neutral and polar, with glycine, which is neutral and non-polar, at codon 236 of the DEAF1 protein (p.Ser236Gly). This variant is not present in population databases (gnomAD no frequency). This missense change has been observed in individual(s) with autosomal dominant DEAF1-related conditions (PMID: 30923367). In at least one individual the variant was observed to be de novo. ClinVar contains an entry for this variant (Variation ID: 2505908). Invitae Evidence Modeling of protein sequence and biophysical properties (such as structural, functional, and spatial information, amino acid conservation, physicochemical variation, residue mobility, and thermodynamic stability) has been performed for this missense variant. However, the output from this modeling did not meet the statistical confidence thresholds required to predict the impact of this variant on DEAF1 protein function. Experimental studies have shown that this missense change affects DEAF1 function (PMID: 30923367). In summary, the currently available evidence indicates that the variant is pathogenic, but additional data are needed to prove that conclusively. Therefore, this variant has been classified as Likely Pathogenic.

GeneDx
Classification: Likely pathogenic. Last evaluated: 2022-12-08. Review status: criteria provided, single submitter. Criteria: GeneDx Variant Classification Process June 2021. Collection method: clinical testing. Allele origin: germline. Affected: yes.
Comment: Published functional studies demonstrate a damaging effect (loss of transcription factor activity) (Nabais et al., 2019); Not observed at significant frequency in large population cohorts (gnomAD); In silico analysis supports that this missense variant has a deleterious effect on protein structure/function; This variant is associated with the following publications: (PMID: 30923367)

Literature cited by the submitters: PubMed 30923367 (cited by Labcorp Genetics (formerly Invitae), Labcorp).

NM_021008.4(DEAF1):c.706A>G (p.Ser236Gly)

Gene: DEAF1 (DEAF1 transcription factor; minus strand). Cytogenetic location: 11p15.5.
Variant type: single nucleotide variant.
Coding change: c.706A>G on transcript NM_021008.4 (MANE Select); coding-DNA position 706, A replaced by G.
Protein change: p.Ser236Gly; replaces serine 236 with glycine.
Molecular consequence: missense variant. On other transcripts: 5 prime UTR variant (4), intron variant (1).
Genome position (GRCh38, 1-based): chr11:686,956, T>C on the plus strand (A>G on the coding strand, the complement: DEAF1 is on the minus strand). VCF-style: chr11-686956-T-C. GRCh37 (hg19) VCF-style: chr11-686956-T-C.
Other names: c.-21A>G (NM_001367390.1, NM_001440885.1, NM_001440886.1 and 1 more transcripts); c.706A>G, p.Ser236Gly (NM_001440883.1, NM_001440884.1); c.664+955A>G (NM_001293634.2); short protein forms S236G.
Identifiers: ClinVar variation 2505908 (VCV002505908.2), dbSNP rs2494448970, ClinGen allele CA378932593.
Genomic context (GRCh38, chr11:686,956, plus strand): 5'-TGCTTCTTTTCCAGTCCTTACTGCTGGCTCTTCCTGCCATGGCCTCAAACTCGGTGGGAC[T>C]GTACCAGTTCTCCCCCTGCTTGATGCACCGTCCCCGGCCGCCTGCAAGGAAGGGCAGCAG-3'
Protein context (NP_066288.2, residues 226-246): RCIKQGENWY[Ser236Gly]PTEFEAMAGR